The following is an entry in ClinVar:

NM_177438.3(DICER1):c.3770T>G (p.Val1257Gly)

Gene: DICER1 (dicer 1, ribonuclease III; minus strand). Cytogenetic location: 14q32.13.
Variant type: single nucleotide variant.
Coding change: c.3770T>G on transcript NM_177438.3 (MANE Select); coding-DNA position 3770, T replaced by G.
Protein change: p.Val1257Gly; replaces valine 1257 with glycine.
Molecular consequence: missense variant. On other transcripts: non-coding transcript variant (6).
Genome position (GRCh38, 1-based): chr14:95,103,626, A>C on the plus strand (T>G on the coding strand, the complement: DICER1 is on the minus strand). VCF-style: chr14-95103626-A-C. GRCh37 (hg19) VCF-style: chr14-95569963-A-C.
Other names: c.3770T>G, p.Val1257Gly (NM_001195573.1, NM_001271282.3, NM_001291628.2 and 12 more transcripts); c.3488T>G, p.Val1163Gly (NM_001395686.1); c.3365T>G, p.Val1122Gly (NM_001395687.1, NM_001395688.1, NM_001395689.1 and 2 more transcripts); c.3203T>G, p.Val1068Gly (NM_001395691.1); c.2087T>G, p.Val696Gly (NM_001395697.1); short protein forms V1257G, V1163G, V1068G, V1122G, V696G.
Identifiers: ClinVar variation 3659069 (VCV003659069.3).
Genomic context (GRCh38, chr14:95,103,626, plus strand): 5'-GAATCCATCCTGCCCTTGAGCACTTGAATAGTGTCTGTCGTACCAGGCATTACGGCCATC[A>C]CAGGACTTCCATCTGAGGTAGATTTGTTAGCATTTCCATCAAGGTATTTATTACTCAGGA-3'
Protein context (NP_803187.1, residues 1247-1267): ANKSTSDGSP[Val1257Gly]MAVMPGTTDT

ClinVar aggregate classification (germline): Uncertain significance. Review status: criteria provided, multiple submitters, no conflicts (2 of 4 stars). 2 submissions from 2 submitters: Uncertain significance (2). Last evaluated 2025-02-08.

Conditions:
Hereditary cancer-predisposing syndrome. Also called: Neoplastic Syndromes, Hereditary; Hereditary neoplastic syndrome; Tumor predisposition; Hereditary Cancer Syndrome. Identifiers: Orphanet 140162, MedGen C0027672, MeSH D009386, MONDO:0015356.
DICER1-related tumor predisposition. Also called: DICER1-related pleuropulmonary blastoma cancer predisposition syndrome; DICER1 syndrome. Identifiers: Orphanet 284343, MedGen C3839822, MONDO:0100216.

Submissions (2):

Ambry Genetics
Classification: Uncertain significance for Hereditary cancer-predisposing syndrome. Last evaluated: 2025-02-08. Review status: criteria provided, single submitter. Criteria: Ambry Variant Classification Scheme 2023. Collection method: clinical testing. Allele origin: germline.
Comment: The p.V1257G variant (also known as c.3770T>G), located in coding exon 20 of the DICER1 gene, results from a T to G substitution at nucleotide position 3770. The valine at codon 1257 is replaced by glycine, an amino acid with dissimilar properties. This amino acid position is conserved. In addition, this alteration is predicted to be tolerated by in silico analysis. Based on the available evidence, the clinical significance of this variant remains unclear.

Labcorp Genetics (formerly Invitae), Labcorp
Classification: Uncertain significance for DICER1-related tumor predisposition. Last evaluated: 2024-07-09. Review status: criteria provided, single submitter. Criteria: Invitae Variant Classification Sherloc (09022015). Collection method: clinical testing. Allele origin: germline.
Comment: This sequence change replaces valine, which is neutral and non-polar, with glycine, which is neutral and non-polar, at codon 1257 of the DICER1 protein (p.Val1257Gly). This variant is not present in population databases (gnomAD no frequency). This variant has not been reported in the literature in individuals affected with DICER1-related conditions. Advanced modeling of protein sequence and biophysical properties (such as structural, functional, and spatial information, amino acid conservation, physicochemical variation, residue mobility, and thermodynamic stability) performed at Invitae indicates that this missense variant is not expected to disrupt DICER1 protein function with a negative predictive value of 80%. In summary, the available evidence is currently insufficient to determine the role of this variant in disease. Therefore, it has been classified as a Variant of Uncertain Significance.